The following is an entry in ClinVar:

NM_000135.4(FANCA):c.3929_3932del (p.Glu1310fs)

Genes: FANCA (FA complementation group A; minus strand), ZNF276 (zinc finger protein 276; plus strand). Cytogenetic location: 16q24.3.
Variant type: Microsatellite.
Coding change: c.3929_3932del on transcript NM_000135.4 (MANE Select); coding-DNA positions 3929 to 3932, 4 bases deleted (AGAG; older notation c.3929_3932delAGAG).
Protein change: p.Glu1310fs; shifts the reading frame from glutamic acid 1310.
Molecular consequence: frameshift variant. On other transcripts: 3 prime UTR variant (2), non-coding transcript variant (4).
Genome position (GRCh38, 1-based): chr16:89,739,996-89,739,999, CTCT deleted on the plus strand (AGAG on the coding strand, the reverse complement: FANCA is on the minus strand); deleting any 4 consecutive bases within chr16:89,739,996-89,740,001 gives the same sequence; the c. name uses the placement nearest the transcript's 3' end. VCF-style (leftmost placement, unchanged base first): chr16-89739995-ACTCT-A. GRCh37 (hg19) VCF-style: chr16-89806403-ACTCT-A.
Other names: c.3929_3932del, p.Glu1310fs (NM_001286167.3); c.*1750CT[1] (NM_001113525.2, NM_152287.4); c.3929_3932del (NM_000135.3); short protein forms E1310fs.
Identifiers: ClinVar variation 2071318 (VCV002071318.7), dbSNP rs1403231932, ClinGen allele CA2580613950.
Genomic context (GRCh38, chr16:89,739,995, plus strand): 5'-CAAGATGCCTCTGAAAAGAGCGGCCCTCCGCATTTGTGCCTCAGCAGCGTGTTTCTTACC[ACTCT>A]CTGTCAACTGAAAGAGTGCCAGCCAGGATATCTTCCTCTTCTCTAAACACTCGAGGATTG-3'

ClinVar aggregate classification (germline): Pathogenic/Likely pathogenic. Review status: criteria provided, multiple submitters, no conflicts (2 of 4 stars). 4 submissions from 4 submitters: Pathogenic (3); Likely pathogenic (1). Last evaluated 2026-03-17.

Conditions:
Fanconi anemia (FA). Also called: Fanconi's anemia. Identifiers: Orphanet 84, MedGen C0015625, MeSH D005199, MONDO:0019391.
Fanconi anemia complementation group A (FANCA). Also called: Fanconi anemia, group A; FANCA-Related Fanconi Anemia. Identifiers: Orphanet 84, MedGen C3469521, MONDO:0009215, OMIM 227650.

Submissions (4):

Myriad Genetics, Inc.
Classification: Pathogenic for Fanconi anemia complementation group A. Last evaluated: 2026-03-17. Review status: criteria provided, single submitter. Criteria: Myriad Autosomal Dominant, Autosomal Recessive and X-Linked Classification Criteria (2023). Collection method: clinical testing. Allele origin: unknown.
Comment: NM_000135.2(FANCA):c.3929_3932delAGAG(E1310Vfs*52) is a frameshift variant classified as pathogenic in the context of Fanconi anemia complementation group A. E1310Vfs*52 has been observed in cases with relevant disease (PMID: 30031030, 35417938). Relevant functional assessments of this variant are not available in the literature. E1310Vfs*52 has not been observed in referenced population frequency databases. In summary, NM_000135.2(FANCA):c.3929_3932delAGAG(E1310Vfs*52) is a frameshift variant in a gene where loss of function is a known mechanism of disease, is predicted to disrupt protein function, and has been observed more frequently in cases with the relevant disease than in healthy populations. Please note: this variant was assessed in the context of healthy population screening.

Natera, Inc.
Classification: Pathogenic for Fanconi anemia. Last evaluated: 2025-09-19. Review status: criteria provided, single submitter. Criteria: Natera Variant Classification Schema (03/2026). Collection method: clinical testing. Allele origin: germline.
Comment: The c.3929_3932del variant in FANCA is a frameshift variant predicted to shift the reading frame beginning at codon 1310 and leads to a stop codon 52 codons downstream. This variant is expected to result in nonsense mediated decay, truncation, or a dysfunctional protein product. This variant is rare in the general population with a frequency below the threshold expected for the associated phenotype(s). This variant has been observed in one or more individuals affected with the associated recessive disease, as either homozygous or compound heterozygous with a second variant (PMID: 30031030). Given the available evidence, this variant is classified as Pathogenic.

Labcorp Genetics (formerly Invitae), Labcorp
Classification: Pathogenic for Fanconi anemia. Last evaluated: 2025-04-21. Review status: criteria provided, single submitter. Criteria: Invitae Variant Classification Sherloc (09022015). Collection method: clinical testing. Allele origin: germline.
Comment: This sequence change creates a premature translational stop signal (p.Glu1310Valfs*52) in the FANCA gene. It is expected to result in an absent or disrupted protein product. Loss-of-function variants in FANCA are known to be pathogenic (PMID: 19367192). This variant is not present in population databases (gnomAD no frequency). This premature translational stop signal has been observed in individual(s) with Fanconi anemia (PMID: 30031030). For these reasons, this variant has been classified as Pathogenic.

Baylor Genetics
Classification: Likely pathogenic for Fanconi anemia complementation group A. Last evaluated: 2023-05-26. Review status: criteria provided, single submitter. Criteria: ACMG Guidelines, 2015. Collection method: clinical testing. Allele origin: unknown.

Literature cited by the submitters: PubMed 30031030 (cited by 3 submitters); PubMed 35417938 (cited by Myriad Genetics, Inc.); PubMed 19367192 (cited by Labcorp Genetics (formerly Invitae), Labcorp).